The following is an entry in ClinVar:

NM_001807.6(CEL):c.1764C>T (p.Ser588=)

Gene: CEL (carboxyl ester lipase; plus strand). Cytogenetic location: 9q34.13.
Variant type: single nucleotide variant.
Coding change: c.1764C>T on transcript NM_001807.6 (MANE Select); coding-DNA position 1764, C replaced by T.
Protein change: p.Ser588=; no amino-acid change (serine 588 retained).
Molecular consequence: synonymous variant.
Genome position (GRCh38, 1-based): chr9:133,071,266, C>T. VCF-style: chr9-133071266-C-T. GRCh37 (hg19) VCF-style: chr9-135946653-C-T.
Identifiers: ClinVar variation 3234276 (VCV003234276.20), dbSNP rs754716514, ClinGen allele CA5303529.

ClinVar aggregate classification (germline): Likely benign (1 of 4 stars; one submission).

Allele frequency attached by ClinVar (database versions not stated): gnomAD 0.00020; ExAC 0.00028.

Submission:

CeGaT Center for Human Genetics Tuebingen
Classification: Likely benign. Last evaluated: 2026-05-01. Review status: criteria provided, single submitter. Criteria: CeGaT Center For Human Genetics Tuebingen Variant Classification Criteria Version 2. Collection method: clinical testing. Allele origin: germline. Affected: yes. Observed: 3 variant alleles.
Comment: CEL: BP4, BP7